The following is an entry in ClinVar:

NM_001371279.1(REEP1):c.*1330A>T

Gene: REEP1 (receptor accessory protein 1; minus strand). Cytogenetic location: 2p11.2.
Variant type: single nucleotide variant.
Coding change: c.*1330A>T on transcript NM_001371279.1 (MANE Select); 1330 bases downstream of the stop codon, A replaced by T.
Molecular consequence: 3 prime UTR variant.
Genome position (GRCh38, 1-based): chr2:86,215,709, T>A on the plus strand (A>T on the coding strand, the complement: REEP1 is on the minus strand). VCF-style: chr2-86215709-T-A. GRCh37 (hg19) VCF-style: chr2-86442832-T-A.
Other names: c.*1391A>T (NM_001164730.2, NM_001164731.2, NM_022912.3); c.*1330A>T (NM_001164732.2, NM_001371280.1).
Identifiers: ClinVar variation 897362 (VCV000897362.4), dbSNP rs141138007, ClinGen allele CA51355995.
Genomic context (GRCh38, chr2:86,215,709, plus strand): 5'-GGGGAGAGCAGCTACCTCGGACCACAATGCCATTTAAACCAGATTCTTTTCAAATAAAAT[T>A]CTCAATCTAAGTGGAAAGCCCCCTCAGAGAATGCCTTATTCCCCTACTAAGCAATCCAGG-3'

ClinVar aggregate classification (germline): Benign (1 of 4 stars; one submission).

Conditions:
Hereditary spastic paraplegia 31. Also called: SPASTIC PARAPLEGIA 31, AUTOSOMAL DOMINANT. Identifiers: Orphanet 101011, MedGen C1853247, MONDO:0012453, OMIM 610250.

Allele frequency attached by ClinVar (database versions not stated): 1000 Genomes Project 30x 0.00094; 1000 Genomes Project 0.00100; TOPMed 0.00292; gnomAD 0.00354 and 0.00373; gnomAD exomes 0.01389.
gnomAD v4.1: 544 of 152,732 alleles (0.36%); highest among the groups gnomAD compares: Non-Finnish European, 0.46%; 2 homozygotes.

Submission:

Illumina Laboratory Services, Illumina
Classification: Benign for Hereditary spastic paraplegia 31. Last evaluated: 2017-04-27. Review status: criteria provided, single submitter. Criteria: ICSL Variant Classification Criteria 13 December 2019. Collection method: clinical testing. Allele origin: germline.
Comment: This variant was observed as part of a predisposition screen in an ostensibly healthy population. A literature search was performed for the gene, cDNA change, and amino acid change (where applicable). No publications were found based on this search. Allele frequency data from public databases was too high to be consistent with this variant causing disease. Therefore, this variant is classified as benign.